The following is an entry in ClinVar:

ClinVar aggregate classification (germline): Pathogenic/Likely pathogenic. Review status: criteria provided, multiple submitters, no conflicts (2 of 4 stars). 10 submissions from 9 submitters: Pathogenic (3); Likely pathogenic (5). 2 of the submissions do not count toward it. Last evaluated 2025-09-09.

Conditions:
Rare genetic deafness. Identifiers: Orphanet 96210, MedGen C5680250.
Retinal dystrophy. Also called: Inherited retinal dystrophy. Identifiers: Orphanet 71862, MedGen C0854723, MeSH D058499, MONDO:0019118, HP:0000556.
Retinitis pigmentosa 39 (RP39). Identifiers: Orphanet 791, MedGen C3151138, MONDO:0013436, OMIM 613809.
Usher syndrome type 2A. Also called: RETINAL DISEASE IN USHER SYNDROME TYPE IIA, MODIFIER OF; USHER SYNDROME, TYPE IIA. Identifiers: Orphanet 231178, Orphanet 886, MedGen C1848634, MONDO:0010169, OMIM 276901.

Allele frequency attached by ClinVar (database versions not stated): gnomAD exomes below 0.00001.
gnomAD v4.1: 7 of 1,614,118 alleles (0.00043%); highest among the groups gnomAD compares: East Asian, 0.0022%; no homozygotes.

Submissions (10):

Natera, Inc.
Classification: Pathogenic for Usher syndrome type 2A. Last evaluated: 2025-09-09. Review status: criteria provided, single submitter. Criteria: Natera Variant Classification Schema (03/2026). Collection method: clinical testing. Allele origin: germline.
Comment: The c.14287G>A variant in USH2A is a missense variant predicted to cause substitution of glycine to arginine at amino acid 4763. This variant is rare in the general population with a frequency below the threshold expected for the associated phenotype(s). This variant has been observed in one or more individuals affected with the associated recessive disease, as either homozygous or compound heterozygous with a second variant (PMID: 25649381, 34638692, 34638692). Another variant at this same site results in an alteration predicted to cause a similar molecular effect has been observed in individual(s) with the associated phenotype. Computational prediction algorithms indicate this variant is likely to affect gene or protein function. Given the available evidence, this variant is classified as Pathogenic.

SingHealth Duke-NUS Institute of Precision Medicine
Classification: Likely pathogenic for Retinitis pigmentosa 39. Last evaluated: 2025-02-05. Review status: criteria provided, single submitter. Criteria: PRISM ACMG Classification Criteria. Collection method: clinical testing. Allele origin: germline. Affected: yes.
Comment: Another variant with the same amino acid change has been classified as pathogenic/likely pathogenic (PS1, p.Gly4763Arg). Variant is located in a mutational hotspot where >50% of variants are pathogenic (PM1). Variant is not found in gnomAD genomes and homozygous allele count in gnomAD exomes is less than 0 (PM2). Other variants at this amino acid residue have been classified as pathogenic/likely pathogenic (PM5, p.Gly4763Glu; p.Gly4763Val)

Baylor Genetics
Classification: Pathogenic for Retinitis pigmentosa 39. Last evaluated: 2024-03-22. Review status: criteria provided, single submitter. Criteria: ACMG Guidelines, 2015. Collection method: clinical testing. Allele origin: unknown.

Labcorp Genetics (formerly Invitae), Labcorp
Classification: Pathogenic. Last evaluated: 2024-02-29. Review status: criteria provided, single submitter. Criteria: Invitae Variant Classification Sherloc (09022015). Collection method: clinical testing. Allele origin: germline.
Comment: This sequence change replaces glycine, which is neutral and non-polar, with arginine, which is basic and polar, at codon 4763 of the USH2A protein (p.Gly4763Arg). This variant is not present in population databases (gnomAD no frequency). This missense change has been observed in individuals with Usher syndrome (PMID: 25649381, 27460420). It has also been observed to segregate with disease in related individuals. ClinVar contains an entry for this variant (Variation ID: 48433). Advanced modeling of protein sequence and biophysical properties (such as structural, functional, and spatial information, amino acid conservation, physicochemical variation, residue mobility, and thermodynamic stability) performed at Invitae indicates that this missense variant is expected to disrupt USH2A protein function with a positive predictive value of 95%. For these reasons, this variant has been classified as Pathogenic.

Genome-Nilou Lab
Classification: Likely pathogenic for Retinitis pigmentosa 39. Last evaluated: 2023-11-04. Review status: criteria provided, single submitter. Criteria: ACMG Guidelines, 2015. Collection method: clinical testing. Allele origin: germline. Affected: no.

Genome-Nilou Lab
Classification: Likely pathogenic for Usher syndrome type 2A. Last evaluated: 2023-11-04. Review status: criteria provided, single submitter. Criteria: ACMG Guidelines, 2015. Collection method: clinical testing. Allele origin: germline. Affected: no.

Centre for Mendelian Genomics, University Medical Centre Ljubljana
Classification: Likely pathogenic for Usher syndrome type 2A. Last evaluated: 2019-10-28. Review status: criteria provided, single submitter. Criteria: ACMG Guidelines, 2015. Collection method: clinical testing. Allele origin: unknown. Affected: yes.
Comment: This variant was classified as: Likely pathogenic. The following ACMG criteria were applied in classifying this variant: PS1,PM2,PP3.

Laboratory for Molecular Medicine, Mass General Brigham Personalized Medicine
Classification: Likely pathogenic for Rare genetic deafness. Last evaluated: 2010-09-27. Review status: criteria provided, single submitter. Criteria: LMM Criteria. Collection method: clinical testing. Allele origin: germline. Observed: 2 variant alleles.
Comment: The Gly4763Arg variant in USH2A has been reported in an individual with Usher sy ndrome and in an individual with nonsyndromic retinitis pigmentosa (McGee 2010). In addition, this residue is conserved in mammals. Furthermore, we have identif ied the Gly4763Arg variant in combination with a pathogenic USH2A variant in two siblings with Usher syndrome. In summary, this variant is likely to be pathogen ic.

Counsyl
Classification: Likely pathogenic for Usher syndrome type 2A; Retinitis pigmentosa 39. Last evaluated: 2017-10-09. Review status: no assertion criteria provided. Collection method: clinical testing. Allele origin: unknown. Not counted in ClinVar's aggregate classification.

Dept Of Ophthalmology, Nagoya University
Classification: Uncertain significance for Retinal dystrophy. Last evaluated: 2023-10-01. Review status: flagged submission. Criteria: Submitter's publication. Collection method: research. Allele origin: germline. Affected: yes. Not counted in ClinVar's aggregate classification.
ClinVar note: Reason: Outlier claim with insufficient supporting evidence

Literature cited by the submitters: PubMed 25649381 (cited by 3 submitters); PubMed 34638692 (cited by Natera, Inc.); PubMed 27460420 (cited by Labcorp Genetics (formerly Invitae), Labcorp and Counsyl); PubMed 20507924 (cited by Laboratory for Molecular Medicine, Mass General Brigham Personalized Medicine and Counsyl); PubMed 28894305 (cited by Counsyl).

NM_206933.4(USH2A):c.14287G>A (p.Gly4763Arg)

Gene: USH2A (usherin; minus strand). Cytogenetic location: 1q41.
Variant type: single nucleotide variant.
Coding change: c.14287G>A on transcript NM_206933.4 (MANE Select); coding-DNA position 14287, G replaced by A.
Protein change: p.Gly4763Arg; replaces glycine 4763 with arginine.
Molecular consequence: missense variant.
Genome position (GRCh38, 1-based): chr1:215,650,648, C>T on the plus strand (G>A on the coding strand, the complement: USH2A is on the minus strand). VCF-style: chr1-215650648-C-T. GRCh37 (hg19) VCF-style: chr1-215823990-C-T.
Other names: short protein forms G4763R.
Identifiers: ClinVar variation 48433 (VCV000048433.24), dbSNP rs397517990, ClinGen allele CA262091.